The following is an entry in ClinVar:

ClinVar aggregate classification (germline): Likely benign. Review status: criteria provided, multiple submitters, no conflicts (2 of 4 stars). 3 submissions from 3 submitters: Likely benign (3). Last evaluated 2025-11-18.

Conditions:
Episodic ataxia type 2 (EA2). Also called: ATAXIA, EPISODIC, WITH NYSTAGMUS; ATAXIA, FAMILIAL PAROXYSMAL; CEREBELLAR ATAXIA, PAROXYSMAL, ACETAZOLAMIDE-RESPONSIVE; CEREBELLOPATHY, HEREDITARY PAROXYSMAL; EPISODIC ATAXIA, NYSTAGMUS-ASSOCIATED; ACETAZOLAMIDE-RESPONSIVE HEREDITARY PAROXYSMAL CEREBELLAR ATAXIA. Identifiers: Orphanet 97, MedGen C1720416, MONDO:0007163, OMIM 108500.
Developmental and epileptic encephalopathy, 42 (DEE42A). Also called: Epileptic encephalopathy, early infantile, 42; DEVELOPMENTAL AND EPILEPTIC ENCEPHALOPATHY 42A; EPILEPTIC ENCEPHALOPATHY, EARLY INFANTILE, 42A. Identifiers: MedGen C4310716, MONDO:0014917, OMIM 617106.

Allele frequency attached by ClinVar (database versions not stated): gnomAD 0.00001; gnomAD exomes 0.00001 and 0.00002; TOPMed 0.00001.
gnomAD v4.1: 28 of 1,542,730 alleles (0.0018%); highest among the groups gnomAD compares: South Asian, 0.0047%; no homozygotes.

Submissions (3):

Labcorp Genetics (formerly Invitae), Labcorp
Classification: Likely benign for Developmental and epileptic encephalopathy, 42; Episodic ataxia type 2. Last evaluated: 2025-11-18. Review status: criteria provided, single submitter. Criteria: Invitae Variant Classification Sherloc (09022015). Collection method: clinical testing. Allele origin: germline.

Women's Health and Genetics/Laboratory Corporation of America, LabCorp
Classification: Likely benign. Last evaluated: 2024-06-06. Review status: criteria provided, single submitter. Criteria: LabCorp Variant Classification Summary - May 2015. Collection method: clinical testing. Allele origin: germline.

GeneDx
Classification: Likely benign. Last evaluated: 2018-11-27. Review status: criteria provided, single submitter. Criteria: GeneDx Variant Classification Process June 2021. Collection method: clinical testing. Allele origin: germline. Affected: yes.
Comment: See Variant Classification Assertion Criteria.

NM_001127222.2(CACNA1A):c.6705C>T (p.His2235=)

Gene: CACNA1A (calcium voltage-gated channel subunit alpha1 A; minus strand). Cytogenetic location: 19p13.13.
Variant type: single nucleotide variant.
Coding change: c.6705C>T on transcript NM_001127222.2 (MANE Select); coding-DNA position 6705, C replaced by T.
Protein change: p.His2235=; no amino-acid change (histidine 2235 retained).
Molecular consequence: synonymous variant.
Genome position (GRCh38, 1-based): chr19:13,208,831, G>A on the plus strand (C>T on the coding strand, the complement: CACNA1A is on the minus strand). VCF-style: chr19-13208831-G-A. GRCh37 (hg19) VCF-style: chr19-13319645-G-A.
Other names: c.6723C>T, p.His2241= (NM_000068.4, NM_023035.3); c.6708C>T, p.His2236= (NM_001127221.2); c.6714C>T, p.His2238= (NM_001174080.2).
Identifiers: ClinVar variation 758525 (VCV000758525.10), dbSNP rs1376732755, ClinGen allele CA505659212.